The following is an entry in ClinVar:

NM_001005361.3(DNM2):c.655G>A (p.Val219Ile)

Gene: DNM2 (dynamin 2; plus strand). Cytogenetic location: 19p13.2.
Variant type: single nucleotide variant.
Coding change: c.655G>A on transcript NM_001005361.3 (MANE Select); coding-DNA position 655, G replaced by A.
Protein change: p.Val219Ile; replaces valine 219 with isoleucine.
Molecular consequence: missense variant.
Genome position (GRCh38, 1-based): chr19:10,777,183, G>A. VCF-style: chr19-10777183-G-A. GRCh37 (hg19) VCF-style: chr19-10887859-G-A.
Other names: c.655G>A, p.Val219Ile (NM_001005360.3, NM_001005362.3, NM_001190716.2 and 1 more transcripts); short protein forms V219I.
Identifiers: ClinVar variation 646749 (VCV000646749.11), dbSNP rs111845811, ClinGen allele CA9200852.
Genomic context (GRCh38, chr19:10,777,183, plus strand): 5'-CGGACCATCGGTGTCATCACCAAGCTTGACCTGATGGACGAGGGCACCGACGCCAGGGAC[G>A]TCTTGGAGAACAAGTTGCTCCCGTTGAGAAGAGGTGTGGCTTTGGGGGTGCTGGGGAAGC-3'
Protein context (NP_001005361.1, residues 209-229): LMDEGTDARD[Val219Ile]LENKLLPLRR

ClinVar aggregate classification (germline): Uncertain significance (1 of 4 stars; one submission).

Conditions:
Charcot-Marie-Tooth disease dominant intermediate B (CMTDIB). Also called: CHARCOT-MARIE-TOOTH NEUROPATHY, DOMINANT INTERMEDIATE B; Charcot-Marie-Tooth disease dominant intermediate I; Charcot-Marie-Tooth disease dominant intermediate 1; CMT DI1. Identifiers: Orphanet 100044, Orphanet 228179, MedGen C1847902, MONDO:0011674, OMIM 606482.

Allele frequency attached by ClinVar (database versions not stated): gnomAD below 0.00001 and 0.00001; gnomAD exomes 0.00001 and 0.00002; ExAC 0.00002; 1000 Genomes Project 30x 0.00016; 1000 Genomes Project 0.00020.
gnomAD v4.1: 19 of 1,614,200 alleles (0.0012%); highest among the groups gnomAD compares: South Asian, 0.012%; no homozygotes.

Submission:

Labcorp Genetics (formerly Invitae), Labcorp
Classification: Uncertain significance for Charcot-Marie-Tooth disease dominant intermediate B. Last evaluated: 2022-02-05. Review status: criteria provided, single submitter. Criteria: Invitae Variant Classification Sherloc (09022015). Collection method: clinical testing. Allele origin: germline.
Comment: In summary, the available evidence is currently insufficient to determine the role of this variant in disease. Therefore, it has been classified as a Variant of Uncertain Significance. Algorithms developed to predict the effect of missense changes on protein structure and function output the following: SIFT: "Tolerated"; PolyPhen-2: "Benign"; Align-GVGD: "Class C0". The isoleucine amino acid residue is found in multiple mammalian species, which suggests that this missense change does not adversely affect protein function. ClinVar contains an entry for this variant (Variation ID: 646749). This variant has not been reported in the literature in individuals affected with DNM2-related conditions. This variant is present in population databases (rs111845811, gnomAD 0.01%). This sequence change replaces valine, which is neutral and non-polar, with isoleucine, which is neutral and non-polar, at codon 219 of the DNM2 protein (p.Val219Ile).